The following is an entry in ClinVar:

ClinVar aggregate classification (germline): Uncertain significance. Review status: criteria provided, multiple submitters, no conflicts (2 of 4 stars). 2 submissions from 2 submitters: Uncertain significance (2). Last evaluated 2025-03-16.

Conditions:
Emery-Dreifuss muscular dystrophy 5, autosomal dominant (EDMD5). Also called: EMERY-DREIFUSS MUSCULAR DYSTROPHY 5. Identifiers: Orphanet 261, MedGen C2751805, MONDO:0013072, OMIM 612999.

Allele frequency attached by ClinVar (database versions not stated): TOPMed 0.00001; gnomAD 0.00001; gnomAD exomes 0.00008 and 0.00005; ExAC 0.00013.
gnomAD v4.1: 84 of 1,614,070 alleles (0.0052%); highest among the groups gnomAD compares: Non-Finnish European, 0.0064%; no homozygotes.

Submissions (2):

Ambry Genetics
Classification: Uncertain significance. Last evaluated: 2025-03-16. Review status: criteria provided, single submitter. Criteria: Ambry Variant Classification Scheme 2023. Collection method: clinical testing. Allele origin: germline.

Labcorp Genetics (formerly Invitae), Labcorp
Classification: Uncertain significance for Emery-Dreifuss muscular dystrophy 5, autosomal dominant. Last evaluated: 2022-11-15. Review status: criteria provided, single submitter. Criteria: Invitae Variant Classification Sherloc (09022015). Collection method: clinical testing. Allele origin: germline.
Comment: In summary, the available evidence is currently insufficient to determine the role of this variant in disease. Therefore, it has been classified as a Variant of Uncertain Significance. Algorithms developed to predict the effect of missense changes on protein structure and function are either unavailable or do not agree on the potential impact of this missense change (SIFT: "Deleterious"; PolyPhen-2: "Probably Damaging"; Align-GVGD: "Class C0"). ClinVar contains an entry for this variant (Variation ID: 654525). This variant has not been reported in the literature in individuals affected with SYNE2-related conditions. This variant is present in population databases (rs762858190, gnomAD 0.01%). This sequence change replaces arginine, which is basic and polar, with cysteine, which is neutral and slightly polar, at codon 6116 of the SYNE2 protein (p.Arg6116Cys).

NM_182914.3(SYNE2):c.18346C>T (p.Arg6116Cys)

Gene: SYNE2 (spectrin repeat containing nuclear envelope protein 2; plus strand). Cytogenetic location: 14q23.2.
Variant type: single nucleotide variant.
Coding change: c.18346C>T on transcript NM_182914.3 (MANE Select); coding-DNA position 18346, C replaced by T.
Protein change: p.Arg6116Cys; replaces arginine 6116 with cysteine.
Molecular consequence: missense variant.
Genome position (GRCh38, 1-based): chr14:64,208,902, C>T. VCF-style: chr14-64208902-C-T. GRCh37 (hg19) VCF-style: chr14-64675620-C-T.
Other names: c.18346C>T, p.Arg6116Cys (NM_015180.6); short protein forms R6116C.
Identifiers: ClinVar variation 654525 (VCV000654525.9), dbSNP rs762858190, ClinGen allele CA7224040.